The following is an entry in ClinVar:

ClinVar aggregate classification (germline): Pathogenic (1 of 4 stars; one submission).

Submission:

Ambry Genetics
Classification: Pathogenic. Last evaluated: 2026-05-29. Review status: criteria provided, single submitter. Criteria: Ambry Variant Classification Scheme 2023. Collection method: clinical testing. Allele origin: germline.
Comment: The c.2021delA pathogenic mutation, located in coding exon 1 of the MLH3 gene, results from a deletion of one nucleotide at nucleotide position 2021, causing a translational frameshift with a predicted alternate stop codon (p.N674Ifs*6). This variant is considered to be rare based on population cohorts in the Genome Aggregation Database (gnomAD). This alteration is expected to result in loss of function by premature protein truncation or nonsense-mediated mRNA decay. As such, this alteration is interpreted as a disease-causing mutation.

NM_001040108.2(MLH3):c.2021del (p.Asn674fs)

Gene: MLH3 (mutL homolog 3; minus strand). Cytogenetic location: 14q24.3.
Variant type: Deletion.
Coding change: c.2021del on transcript NM_001040108.2 (MANE Select); coding-DNA position 2021, one base deleted (A; older notation c.2021delA).
Protein change: p.Asn674fs; shifts the reading frame from asparagine 674.
Molecular consequence: frameshift variant.
Genome position (GRCh38, 1-based): chr14:75,047,635, T deleted on the plus strand (A on the coding strand, the reverse complement: MLH3 is on the minus strand); the first of 8 consecutive T bases (chr14:75,047,635-75,047,642); deleting any one gives the same sequence. VCF-style (leftmost placement, unchanged base first): chr14-75047634-AT-A. GRCh37 (hg19) VCF-style: chr14-75514337-AT-A.
Other names: c.2021del, p.Asn674fs (NM_014381.3); c.2021delA (NM_001040108.1); short protein forms N674fs.
Identifiers: ClinVar variation 4860144 (VCV004860144.1).
Genomic context (GRCh38, chr14:75,047,634, plus strand): 5'-AAACATTGTATAAGTTGCTGTAGGTTCATTCTCTAGCCCATAACTTATATTCGTTCTGCA[AT>A]TTTTTTTGTTGGGCAATTGACCAGATTCTTTACTTAAAGTGCTGGCTAAATCTTTGATGT-3'